The following is an entry in ClinVar:

ClinVar aggregate classification (germline): Likely benign (1 of 4 stars; one submission).

Submission:

GeneDx
Classification: Likely benign. Last evaluated: 2016-11-04. Review status: criteria provided, single submitter. Criteria: GeneDx Variant Classification (06012015). Collection method: clinical testing. Allele origin: germline. Affected: yes.
Comment: This variant is considered likely benign or benign based on one or more of the following criteria: it is a conservative change, it occurs at a poorly conserved position in the protein, it is predicted to be benign by multiple in silico algorithms, and/or has population frequency not consistent with disease.

NM_130468.4(CHST14):c.-5G>A

Genes: CHST14 (carbohydrate sulfotransferase 14; plus strand), LOC130056851 (ATAC-STARR-seq lymphoblastoid silent region 6336; plus strand). Cytogenetic location: 15q15.1.
Variant type: single nucleotide variant.
Coding change: c.-5G>A on transcript NM_130468.4 (MANE Select); 5 bases upstream of the start codon, G replaced by A.
Molecular consequence: 5 prime UTR variant.
Genome position (GRCh38, 1-based): chr15:40,471,209, G>A. VCF-style: chr15-40471209-G-A. GRCh37 (hg19) VCF-style: chr15-40763408-G-A.
Identifiers: ClinVar variation 390588 (VCV000390588.1), dbSNP rs1057523825, ClinGen allele CA16607775.